The following is an entry in ClinVar:

NM_020381.4(PDSS2):c.1127T>C (p.Leu376Pro)

Gene: PDSS2 (decaprenyl diphosphate synthase subunit 2; minus strand). Cytogenetic location: 6q21.
Variant type: single nucleotide variant.
Coding change: c.1127T>C on transcript NM_020381.4 (MANE Select); coding-DNA position 1127, T replaced by C.
Protein change: p.Leu376Pro; replaces leucine 376 with proline.
Molecular consequence: missense variant.
Genome position (GRCh38, 1-based): chr6:107,154,692, A>G on the plus strand (T>C on the coding strand, the complement: PDSS2 is on the minus strand). VCF-style: chr6-107154692-A-G. GRCh37 (hg19) VCF-style: chr6-107475896-A-G.
Other names: short protein forms L376P.
Identifiers: ClinVar variation 1371936 (VCV001371936.3), dbSNP rs782503387, ClinGen allele CA145592797.

ClinVar aggregate classification (germline): Uncertain significance (1 of 4 stars; one submission).

Allele frequency attached by ClinVar (database versions not stated): gnomAD exomes 0.00002 and 0.00003; TOPMed 0.00004.
gnomAD v4.1: 47 of 1,614,156 alleles (0.0029%); highest among the groups gnomAD compares: Admixed American, 0.0033%; no homozygotes.

Submission:

Labcorp Genetics (formerly Invitae), Labcorp
Classification: Uncertain significance. Last evaluated: 2022-08-16. Review status: criteria provided, single submitter. Criteria: Invitae Variant Classification Sherloc (09022015). Collection method: clinical testing. Allele origin: germline.
Comment: This sequence change replaces leucine, which is neutral and non-polar, with proline, which is neutral and non-polar, at codon 376 of the PDSS2 protein (p.Leu376Pro). This variant is present in population databases (rs782503387, gnomAD 0.006%). This variant has not been reported in the literature in individuals affected with PDSS2-related conditions. ClinVar contains an entry for this variant (Variation ID: 1371936). Algorithms developed to predict the effect of missense changes on protein structure and function are either unavailable or do not agree on the potential impact of this missense change (SIFT: "Deleterious"; PolyPhen-2: "Probably Damaging"; Align-GVGD: "Class C0"). In summary, the available evidence is currently insufficient to determine the role of this variant in disease. Therefore, it has been classified as a Variant of Uncertain Significance.